The following is an entry in ClinVar:

NM_003073.5(SMARCB1):c.706G>C (p.Ala236Pro)

Gene: SMARCB1 (SWI/SNF related BAF chromatin remodeling complex subunit B1; plus strand). Cytogenetic location: 22q11.23.
Variant type: single nucleotide variant.
Coding change: c.706G>C on transcript NM_003073.5 (MANE Select); coding-DNA position 706, G replaced by C.
Protein change: p.Ala236Pro; replaces alanine 236 with proline.
Molecular consequence: missense variant.
Genome position (GRCh38, 1-based): chr22:23,816,847, G>C. VCF-style: chr22-23816847-G-C. GRCh37 (hg19) VCF-style: chr22-24159034-G-C.
Other names: c.679G>C, p.Ala227Pro (NM_001007468.3); c.733G>C, p.Ala245Pro (NM_001317946.2); c.760G>C, p.Ala254Pro (NM_001362877.2); short protein forms A236P, A245P, A254P, A227P.
Identifiers: ClinVar variation 1350535 (VCV001350535.8), dbSNP rs1930223455, ClinGen allele CA410901432.

ClinVar aggregate classification (germline): Uncertain significance (1 of 4 stars; one submission).

Submission:

Labcorp Genetics (formerly Invitae), Labcorp
Classification: Uncertain significance. Last evaluated: 2021-05-01. Review status: criteria provided, single submitter. Criteria: Invitae Variant Classification Sherloc (09022015). Collection method: clinical testing. Allele origin: germline.
Comment: In summary, the available evidence is currently insufficient to determine the role of this variant in disease. Therefore, it has been classified as a Variant of Uncertain Significance. Algorithms developed to predict the effect of missense changes on protein structure and function are either unavailable or do not agree on the potential impact of this missense change (SIFT: "Deleterious"; PolyPhen-2: "Benign"; Align-GVGD: "Class C0"). This variant has not been reported in the literature in individuals with SMARCB1-related conditions. This variant is not present in population databases (ExAC no frequency). This sequence change replaces alanine with proline at codon 236 of the SMARCB1 protein (p.Ala236Pro). The alanine residue is highly conserved and there is a small physicochemical difference between alanine and proline.